The following is an entry in ClinVar:

NM_018718.3(CEP41):c.208-5A>G

Gene: CEP41 (centrosomal protein 41; minus strand). Cytogenetic location: 7q32.2.
Variant type: single nucleotide variant.
Coding change: c.208-5A>G on transcript NM_018718.3 (MANE Select); 5 bases into the intron before coding-DNA position 208, A replaced by G.
Molecular consequence: intron variant.
Genome position (GRCh38, 1-based): chr7:130,411,196, T>C on the plus strand (A>G on the coding strand, the complement: CEP41 is on the minus strand). VCF-style: chr7-130411196-T-C. GRCh37 (hg19) VCF-style: chr7-130051037-T-C.
Other names: c.160-5A>G (NM_001257159.2); c.208-5A>G (NM_001257158.2).
Identifiers: ClinVar variation 285274 (VCV000285274.60), dbSNP rs11765434, ClinGen allele CA4485631.

ClinVar aggregate classification (germline): Benign/Likely benign. Review status: criteria provided, multiple submitters, no conflicts (2 of 4 stars). 9 submissions from 9 submitters: Benign (3); Likely benign (3). 3 of the submissions do not count toward it. Last evaluated 2026-08-01.

Conditions:
Joubert syndrome 15 (JBTS15). Identifiers: Orphanet 475, MedGen C3280897, MONDO:0013763, OMIM 614464.

Allele frequency attached by ClinVar (database versions not stated): 1000 Genomes Project 30x 0.00094; 1000 Genomes Project 0.00120; TOPMed 0.00423; gnomAD 0.00453; ESP Exome Variant Server 0.00461.
gnomAD v4.1: 9,616 of 1,611,796 alleles (0.6%); highest among the groups gnomAD compares: Middle Eastern, 1%; 53 homozygotes.

Submissions (21):

CeGaT Center for Human Genetics Tuebingen
Classification: Likely benign. Last evaluated: 2026-08-01. Review status: criteria provided, single submitter. Criteria: CeGaT Center For Human Genetics Tuebingen Variant Classification Criteria Version 2. Collection method: clinical testing. Allele origin: germline. Affected: yes. Observed: 28 variant alleles.
Comment: CEP41: BP4, BS2

Labcorp Genetics (formerly Invitae), Labcorp
Classification: Benign for Joubert syndrome 15. Last evaluated: 2026-02-03. Review status: criteria provided, single submitter. Criteria: Invitae Variant Classification Sherloc (09022015). Collection method: clinical testing. Allele origin: germline.

Illumina Laboratory Services, Illumina
Classification: Likely benign for Joubert syndrome 15. Last evaluated: 2018-01-13. Review status: criteria provided, single submitter. Criteria: ICSL Variant Classification Criteria 13 December 2019. Collection method: clinical testing. Allele origin: germline.
Comment: This variant was observed in the ICSL laboratory as part of a predisposition screen in an ostensibly healthy population. It had not been previously curated by ICSL or reported in the Human Gene Mutation Database (HGMD: prior to June 1st, 2018), and was therefore a candidate for classification through an automated scoring system. Utilizing variant allele frequency, disease prevalence and penetrance estimates, and inheritance mode, an automated score was calculated to assess if this variant is too frequent to cause the disease. Based on the score and internal cut-off values, a variant classified as likely benign is not then subjected to further curation. The score for this variant resulted in a classification of likely benign for this disease.

Eurofins Ntd Llc (ga)
Classification: Benign. Last evaluated: 2016-01-27. Review status: criteria provided, single submitter. Criteria: EGL Classification Definitions 2015. Collection method: clinical testing. Allele origin: germline. Observed: 1 variant allele, 1 heterozygote.

GeneDx
Classification: Benign. Last evaluated: 2015-03-03. Review status: criteria provided, single submitter. Criteria: GeneDx Variant Classification Process June 2021. Collection method: clinical testing. Allele origin: germline. Affected: yes.

Breakthrough Genomics
Classification: Likely benign. Review status: criteria provided, single submitter. Criteria: ACMG Guidelines, 2015. Collection method: not provided. Allele origin: germline. Inheritance: Autosomal recessive inheritance. Affected: yes.

Clinical Genetics DNA and cytogenetics Diagnostics Lab, Erasmus MC, Erasmus Medical Center
Classification: Likely benign. Review status: no assertion criteria provided. Collection method: clinical testing. Allele origin: germline. Affected: yes. Study: VKGL Data-share Consensus. Not counted in ClinVar's aggregate classification.

Clinical Genetics, Academic Medical Center
Classification: Likely benign. Review status: no assertion criteria provided. Collection method: clinical testing. Allele origin: germline. Affected: yes. Study: VKGL Data-share Consensus. Not counted in ClinVar's aggregate classification.

Dr. Peter K. Rogan Lab, Western University
No classification provided (evidence only). Condition: Clear cell carcinoma of kidney. Review status: no classification provided. Collection method: in vitro. Allele origin: not applicable. Functional consequence: retained intron. Not counted in ClinVar's aggregate classification.

Dr. Peter K. Rogan Lab, Western University
No classification provided (evidence only). Condition: Familial cancer of breast. Review status: no classification provided. Collection method: in vitro. Allele origin: not applicable. Functional consequence: retained intron. Not counted in ClinVar's aggregate classification.

Dr. Peter K. Rogan Lab, Western University
No classification provided (evidence only). Condition: Familial cancer of breast. Review status: no classification provided. Collection method: in vitro. Allele origin: not applicable. Functional consequence: retained intron. Not counted in ClinVar's aggregate classification.

Dr. Peter K. Rogan Lab, Western University
No classification provided (evidence only). Condition: Acute myeloid leukemia. Review status: no classification provided. Collection method: in vitro. Allele origin: not applicable. Functional consequence: retained intron. Not counted in ClinVar's aggregate classification.

Dr. Peter K. Rogan Lab, Western University
No classification provided (evidence only). Condition: Acute myeloid leukemia. Review status: no classification provided. Collection method: in vitro. Allele origin: not applicable. Functional consequence: retained intron. Not counted in ClinVar's aggregate classification.

Dr. Peter K. Rogan Lab, Western University
No classification provided (evidence only). Condition: Colon adenocarcinoma. Review status: no classification provided. Collection method: in vitro. Allele origin: not applicable. Functional consequence: retained intron. Not counted in ClinVar's aggregate classification.

Dr. Peter K. Rogan Lab, Western University
No classification provided (evidence only). Condition: Cervical cancer. Review status: no classification provided. Collection method: in vitro. Allele origin: not applicable. Functional consequence: retained intron. Not counted in ClinVar's aggregate classification.

Dr. Peter K. Rogan Lab, Western University
No classification provided (evidence only). Condition: Sarcoma. Review status: no classification provided. Collection method: in vitro. Allele origin: not applicable. Functional consequence: retained intron. Not counted in ClinVar's aggregate classification.

Dr. Peter K. Rogan Lab, Western University
No classification provided (evidence only). Condition: Malignant lymphoma, large B-cell, diffuse. Review status: no classification provided. Collection method: in vitro. Allele origin: not applicable. Functional consequence: retained intron. Not counted in ClinVar's aggregate classification.

Dr. Peter K. Rogan Lab, Western University
No classification provided (evidence only). Condition: Ovarian serous cystadenocarcinoma. Review status: no classification provided. Collection method: in vitro. Allele origin: not applicable. Functional consequence: retained intron. Not counted in ClinVar's aggregate classification.

Dr. Peter K. Rogan Lab, Western University
No classification provided (evidence only). Condition: Ovarian serous cystadenocarcinoma. Review status: no classification provided. Collection method: in vitro. Allele origin: not applicable. Functional consequence: retained intron. Not counted in ClinVar's aggregate classification.

Dr. Peter K. Rogan Lab, Western University
No classification provided (evidence only). Condition: Malignant tumor of esophagus. Review status: no classification provided. Collection method: in vitro. Allele origin: not applicable. Functional consequence: retained intron. Not counted in ClinVar's aggregate classification.

Genome Diagnostics Laboratory, University Medical Center Utrecht
Classification: Benign. Review status: no assertion criteria provided. Collection method: clinical testing. Allele origin: germline. Affected: yes. Study: VKGL Data-share Consensus. Not counted in ClinVar's aggregate classification.